The following is an entry in ClinVar:

NM_000211.5(ITGB2):c.2113G>A (p.Val705Ile)

Gene: ITGB2 (integrin subunit beta 2; minus strand). Cytogenetic location: 21q22.3.
Variant type: single nucleotide variant.
Coding change: c.2113G>A on transcript NM_000211.5 (MANE Select); coding-DNA position 2113, G replaced by A.
Protein change: p.Val705Ile; replaces valine 705 with isoleucine.
Molecular consequence: missense variant.
Genome position (GRCh38, 1-based): chr21:44,886,870, C>T on the plus strand (G>A on the coding strand, the complement: ITGB2 is on the minus strand). VCF-style: chr21-44886870-C-T. GRCh37 (hg19) VCF-style: chr21-46306785-C-T.
Other names: c.2113G>A, p.Val705Ile (NM_001127491.3); c.1906G>A, p.Val636Ile (NM_001303238.2); short protein forms V705I, V636I.
Identifiers: ClinVar variation 530677 (VCV000530677.6), dbSNP rs373065825, ClinGen allele CA10062551.

ClinVar aggregate classification (germline): Uncertain significance (1 of 4 stars; one submission).

Conditions:
Leukocyte adhesion deficiency 1 (LAD1). Also called: LEUKOCYTE ADHESION DEFICIENCY, TYPE I; LAD 1; Lymphocyte function-associated antigen 1 immunodeficiency; LFA 1 immunodeficiency. Identifiers: Orphanet 2968, Orphanet 99842, MedGen C0398738, MONDO:0007293, OMIM 116920.

Allele frequency attached by ClinVar (database versions not stated): ExAC 0.00001; gnomAD 0.00001; TOPMed 0.00001; gnomAD exomes 0.00002; ESP Exome Variant Server 0.00008.
gnomAD v4.1: 16 of 1,613,372 alleles (0.00099%); highest among the groups gnomAD compares: Admixed American, 0.0083%; no homozygotes.

Submission:

Labcorp Genetics (formerly Invitae), Labcorp
Classification: Uncertain significance for Leukocyte adhesion deficiency 1. Last evaluated: 2021-08-26. Review status: criteria provided, single submitter. Criteria: Invitae Variant Classification Sherloc (09022015). Collection method: clinical testing. Allele origin: germline.
Comment: This sequence change replaces valine with isoleucine at codon 705 of the ITGB2 protein (p.Val705Ile). The valine residue is highly conserved and there is a small physicochemical difference between valine and isoleucine. This variant is present in population databases (rs373065825, ExAC 0.009%). This variant has not been reported in the literature in individuals affected with ITGB2-related conditions. Algorithms developed to predict the effect of missense changes on protein structure and function output the following: SIFT: "Tolerated"; PolyPhen-2: "Benign"; Align-GVGD: "Class C0". The isoleucine amino acid residue is found in multiple mammalian species, which suggests that this missense change does not adversely affect protein function. In summary, the available evidence is currently insufficient to determine the role of this variant in disease. Therefore, it has been classified as a Variant of Uncertain Significance.